The following is an entry in ClinVar:

NM_022489.4(INF2):c.1736-51G>A

Gene: INF2 (inverted formin 2; plus strand). Cytogenetic location: 14q32.33.
Variant type: single nucleotide variant.
Coding change: c.1736-51G>A on transcript NM_022489.4 (MANE Select); 51 bases into the intron before coding-DNA position 1736, G replaced by A.
Molecular consequence: intron variant.
Genome position (GRCh38, 1-based): chr14:104,708,385, G>A. VCF-style: chr14-104708385-G-A. GRCh37 (hg19) VCF-style: chr14-105174722-G-A.
Other names: c.1736-51G>A (NM_001031714.4).
Identifiers: ClinVar variation 681969 (VCV000681969.2), dbSNP rs117034570, ClinGen allele CA267324007.

ClinVar aggregate classification (germline): Benign. Review status: criteria provided, multiple submitters, no conflicts (2 of 4 stars). 2 submissions from 2 submitters: Benign (2). Last evaluated 2018-06-16.

Allele frequency attached by ClinVar (database versions not stated): 1000 Genomes Project 0.04633; 1000 Genomes Project 30x 0.04669; ESP Exome Variant Server 0.05369; TOPMed 0.05717; gnomAD 0.05877; gnomAD exomes 0.07630.
gnomAD v4.1: 119,738 of 1,600,138 alleles (7.5%); highest among the groups gnomAD compares: Middle Eastern, 11%; 5,096 homozygotes.

Submissions (2):

GeneDx
Classification: Benign. Last evaluated: 2018-06-16. Review status: criteria provided, single submitter. Criteria: GeneDx Variant Classification (06012015). Collection method: clinical testing. Allele origin: germline. Affected: yes.
Comment: This variant is considered likely benign or benign based on one or more of the following criteria: it is a conservative change, it occurs at a poorly conserved position in the protein, it is predicted to be benign by multiple in silico algorithms, and/or has population frequency not consistent with disease.

Breakthrough Genomics
Classification: Benign. Review status: criteria provided, single submitter. Criteria: ACMG Guidelines, 2015. Collection method: not provided. Allele origin: germline. Inheritance: Autosomal dominant inheritance. Affected: yes.